The following is an entry in ClinVar:

ClinVar aggregate classification (germline): Benign/Likely benign. Review status: criteria provided, multiple submitters, no conflicts (2 of 4 stars). 2 submissions from 2 submitters: Benign (1); Likely benign (1). Last evaluated 2025-09-16.

Conditions:
X-linked Emery-Dreifuss muscular dystrophy. Also called: Muscular dystrophy, tardive Emery-Dreifuss type, with contractures. Identifiers: Orphanet 261, Orphanet 98863, MedGen C0751337, MONDO:0010680.

Allele frequency attached by ClinVar (database versions not stated): gnomAD 0.00003; TOPMed 0.00005; gnomAD exomes 0.00006 and 0.00013; ExAC 0.00012.
gnomAD v4.1: 71 of 1,209,770 alleles (0.0059%); highest among the groups gnomAD compares: Admixed American, 0.065%; no homozygotes.

Submissions (2):

Labcorp Genetics (formerly Invitae), Labcorp
Classification: Benign for X-linked Emery-Dreifuss muscular dystrophy. Last evaluated: 2025-09-16. Review status: criteria provided, single submitter. Criteria: Invitae Variant Classification Sherloc (09022015). Collection method: clinical testing. Allele origin: germline.

GeneDx
Classification: Likely benign. Last evaluated: 2016-10-26. Review status: criteria provided, single submitter. Criteria: GeneDx Variant Classification (06012015). Collection method: clinical testing. Allele origin: germline. Affected: yes.
Comment: This variant is considered likely benign or benign based on one or more of the following criteria: it is a conservative change, it occurs at a poorly conserved position in the protein, it is predicted to be benign by multiple in silico algorithms, and/or has population frequency not consistent with disease.

NM_000117.3(EMD):c.400-20G>A

Gene: EMD (emerin; plus strand). Cytogenetic location: Xq28.
Variant type: single nucleotide variant.
Coding change: c.400-20G>A on transcript NM_000117.3 (MANE Select); 20 bases into the intron before coding-DNA position 400, G replaced by A.
Molecular consequence: intron variant.
Genome position (GRCh38, 1-based): chrX:154,380,733, G>A. VCF-style: chrX-154380733-G-A. GRCh37 (hg19) VCF-style: chrX-153609093-G-A.
Identifiers: ClinVar variation 377828 (VCV000377828.9), dbSNP rs782354948, ClinGen allele CA10561597.
Genomic context (GRCh38, chrX:154,380,733, plus strand): 5'-GGGGAAGTTTGGACTGAGGGACATGACAGGGCCATGGTGGCCCTGCCAGCCAGTCCCCTC[G>A]CCCTGACTCTCTTCTGCAGGTGCATGATGACGATCTTTTGTCTTCTTCTGAAGAGGAGTG-3'